The following is an entry in ClinVar:

NM_000057.4(BLM):c.1287A>T (p.Arg429Ser)

Gene: BLM (BLM RecQ like helicase; plus strand). Cytogenetic location: 15q26.1.
Variant type: single nucleotide variant.
Coding change: c.1287A>T on transcript NM_000057.4 (MANE Select); coding-DNA position 1287, A replaced by T.
Protein change: p.Arg429Ser; replaces arginine 429 with serine.
Molecular consequence: missense variant.
Genome position (GRCh38, 1-based): chr15:90,760,660, A>T. VCF-style: chr15-90760660-A-T. GRCh37 (hg19) VCF-style: chr15-91303890-A-T.
Other names: c.1287A>T, p.Arg429Ser (NM_001287246.2, NM_001287247.2); c.162A>T, p.Arg54Ser (NM_001287248.2); short protein forms R429S, R54S.
Identifiers: ClinVar variation 1346206 (VCV001346206.8), dbSNP rs1895949043, ClinGen allele CA393842733.

ClinVar aggregate classification (germline): Uncertain significance (1 of 4 stars; one submission).

Conditions:
Bloom syndrome (BLM). Also called: Bloom-Torre-Machacek syndrome. Identifiers: Orphanet 125, MedGen C0005859, MONDO:0008876, OMIM 210900.

Allele frequency attached by ClinVar (database versions not stated): TOPMed below 0.00001; gnomAD 0.00001.
gnomAD v4.1: 1 of 1,613,864 alleles (0.000062%); highest among the groups gnomAD compares: South Asian, 0.0011%; no homozygotes.

Submission:

Labcorp Genetics (formerly Invitae), Labcorp
Classification: Uncertain significance for Bloom syndrome. Last evaluated: 2022-07-19. Review status: criteria provided, single submitter. Criteria: Invitae Variant Classification Sherloc (09022015). Collection method: clinical testing. Allele origin: germline.
Comment: In summary, the available evidence is currently insufficient to determine the role of this variant in disease. Therefore, it has been classified as a Variant of Uncertain Significance. Algorithms developed to predict the effect of missense changes on protein structure and function (SIFT, PolyPhen-2, Align-GVGD) all suggest that this variant is likely to be tolerated. ClinVar contains an entry for this variant (Variation ID: 1346206). This variant has not been reported in the literature in individuals affected with BLM-related conditions. This variant is not present in population databases (gnomAD no frequency). This sequence change replaces arginine, which is basic and polar, with serine, which is neutral and polar, at codon 429 of the BLM protein (p.Arg429Ser).